The following is an entry in ClinVar:

NM_198578.4(LRRK2):c.60A>G (p.Ile20Met)

Gene: LRRK2 (leucine rich repeat kinase 2; plus strand). Cytogenetic location: 12q12.
Variant type: single nucleotide variant.
Coding change: c.60A>G on transcript NM_198578.4 (MANE Select); coding-DNA position 60, A replaced by G.
Protein change: p.Ile20Met; replaces isoleucine 20 with methionine.
Molecular consequence: missense variant.
Genome position (GRCh38, 1-based): chr12:40,225,191, A>G. VCF-style: chr12-40225191-A-G. GRCh37 (hg19) VCF-style: chr12-40618993-A-G.
Other names: short protein forms I20M.
Identifiers: ClinVar variation 1751586 (VCV001751586.3), dbSNP rs1940803472, ClinGen allele CA384398412.

ClinVar aggregate classification (germline): Uncertain significance (1 of 4 stars; one submission).

Conditions:
Inborn genetic diseases. Identifiers: MedGen C0950123, MeSH D030342.

gnomAD v4.1: 18 of 1,614,204 alleles (0.0011%); highest among the groups gnomAD compares: Non-Finnish European, 0.0015%; no homozygotes.

Submission:

Ambry Genetics
Classification: Uncertain significance for Inborn genetic diseases. Last evaluated: 2024-05-18. Review status: criteria provided, single submitter. Criteria: Ambry Variant Classification Scheme 2023. Collection method: clinical testing. Allele origin: germline.
Comment: The p.I20M variant (also known as c.60A>G), located in coding exon 1 of the LRRK2 gene, results from an A to G substitution at nucleotide position 60. The isoleucine at codon 20 is replaced by methionine, an amino acid with highly similar properties. This amino acid position is conserved. In addition, this alteration is predicted to be tolerated by in silico analysis. Since supporting evidence is limited at this time, the clinical significance of this alteration remains unclear.